The following is an entry in ClinVar:

ClinVar aggregate classification (germline): Uncertain significance (1 of 4 stars; one submission).

Conditions:
Infantile neuroaxonal dystrophy (NBIA2A). Also called: NEURODEGENERATION WITH BRAIN IRON ACCUMULATION 2A; SEITELBERGER DISEASE; Infantile neuroaxonal dystrophy 1. Identifiers: Orphanet 35069, MedGen C0270724, MONDO:0024457, OMIM 256600.

Allele frequency attached by ClinVar (database versions not stated): gnomAD 0.00001; ExAC 0.00004; TOPMed below 0.00001; gnomAD exomes 0.00002.
gnomAD v4.1: 27 of 1,614,126 alleles (0.0017%); highest among the groups gnomAD compares: Middle Eastern, 0.016%; no homozygotes.

Submission:

Labcorp Genetics (formerly Invitae), Labcorp
Classification: Uncertain significance for Infantile neuroaxonal dystrophy. Last evaluated: 2022-01-19. Review status: criteria provided, single submitter. Criteria: Invitae Variant Classification Sherloc (09022015). Collection method: clinical testing. Allele origin: germline.
Comment: This sequence change replaces valine, which is neutral and non-polar, with isoleucine, which is neutral and non-polar, at codon 14 of the PLA2G6 protein (p.Val14Ile). This variant is present in population databases (rs766762926, gnomAD 0.006%). This variant has not been reported in the literature in individuals affected with PLA2G6-related conditions. Advanced modeling of protein sequence and biophysical properties (such as structural, functional, and spatial information, amino acid conservation, physicochemical variation, residue mobility, and thermodynamic stability) performed at Invitae indicates that this missense variant is expected to disrupt PLA2G6 protein function. In summary, the available evidence is currently insufficient to determine the role of this variant in disease. Therefore, it has been classified as a Variant of Uncertain Significance.

NM_003560.4(PLA2G6):c.40G>A (p.Val14Ile)

Gene: PLA2G6 (phospholipase A2 group VI; minus strand). Cytogenetic location: 22q13.1.
Variant type: single nucleotide variant.
Coding change: c.40G>A on transcript NM_003560.4 (MANE Select); coding-DNA position 40, G replaced by A.
Protein change: p.Val14Ile; replaces valine 14 with isoleucine.
Molecular consequence: missense variant. On other transcripts: 5 prime UTR variant (3).
Genome position (GRCh38, 1-based): chr22:38,169,387, C>T on the plus strand (G>A on the coding strand, the complement: PLA2G6 is on the minus strand). VCF-style: chr22-38169387-C-T. GRCh37 (hg19) VCF-style: chr22-38565394-C-T.
Other names: c.40G>A, p.Val14Ile (NM_001004426.3, NM_001199562.3, NM_001349864.2 and 2 more transcripts); c.-626G>A (NM_001349867.2, NM_001349869.2); c.-451G>A (NM_001349868.2); short protein forms V14I.
Identifiers: ClinVar variation 2139935 (VCV002139935.1), dbSNP rs766762926, ClinGen allele CA10231387.